The following is an entry in ClinVar:

NM_000051.4(ATM):c.3430T>G (p.Leu1144Val)

Gene: ATM (ATM serine/threonine kinase; plus strand). Cytogenetic location: 11q22.3.
Variant type: single nucleotide variant.
Coding change: c.3430T>G on transcript NM_000051.4 (MANE Select); coding-DNA position 3430, T replaced by G.
Protein change: p.Leu1144Val; replaces leucine 1144 with valine.
Molecular consequence: missense variant.
Genome position (GRCh38, 1-based): chr11:108,281,022, T>G. VCF-style: chr11-108281022-T-G. GRCh37 (hg19) VCF-style: chr11-108151749-T-G.
Other names: c.3430T>G, p.Leu1144Val (NM_001351834.2); short protein forms L1144V.
Identifiers: ClinVar variation 3451681 (VCV003451681.1).

ClinVar aggregate classification (germline): Uncertain significance (1 of 4 stars; one submission).

Conditions:
Hereditary cancer-predisposing syndrome. Also called: Tumor predisposition; Neoplastic Syndromes, Hereditary; Hereditary neoplastic syndrome; Hereditary Cancer Syndrome. Identifiers: Orphanet 140162, MedGen C0027672, MeSH D009386, MONDO:0015356.

Submission:

Ambry Genetics
Classification: Uncertain significance for Hereditary cancer-predisposing syndrome. Last evaluated: 2024-09-30. Review status: criteria provided, single submitter. Criteria: Ambry Variant Classification Scheme 2023. Collection method: clinical testing. Allele origin: germline.
Comment: The p.L1144V variant (also known as c.3430T>G), located in coding exon 23 of the ATM gene, results from a T to G substitution at nucleotide position 3430. The leucine at codon 1144 is replaced by valine, an amino acid with highly similar properties. This amino acid position is conserved. In addition, this alteration is predicted to be tolerated by in silico analysis. Based on the available evidence, the clinical significance of this variant remains unclear.